The following is an entry in ClinVar:

NM_153717.3(EVC):c.1563+1G>A

Gene: EVC (EvC ciliary complex subunit 1; plus strand). Cytogenetic location: 4p16.2.
Variant type: single nucleotide variant.
Coding change: c.1563+1G>A on transcript NM_153717.3 (MANE Select); the canonical splice donor site of the intron after coding-DNA position 1563, G replaced by A.
Molecular consequence: splice donor variant.
Genome position (GRCh38, 1-based): chr4:5,756,363, G>A. VCF-style: chr4-5756363-G-A. GRCh37 (hg19) VCF-style: chr4-5758090-G-A.
Other names: c.1563+1G>A (NM_001306090.2, NM_001306092.2).
Identifiers: ClinVar variation 4816921 (VCV004816921.1).
Genomic context (GRCh38, chr4:5,756,363, plus strand): 5'-TGTGACCTGGAGGAAGAGGAGAATGTCAGAGCCACCGAGGCTGTGGTTGCACTCTGCCAG[G>A]TACATGGCCTCTGTGGGGACCAGCAGAGAAGCCCCAGGGTCTGTGTGTGTGCGAGAACCT-3'

ClinVar aggregate classification (germline): Likely pathogenic (1 of 4 stars; one submission).

Conditions:
Ellis-van Creveld syndrome (EVC). Also called: Chondroectodermal dysplasia; EVC-Related Ellis-van Creveld Syndrome; EVC2-Related Ellis-van Creveld Syndrome; MESOECTODERMAL DYSPLASIA. Identifiers: Orphanet 289, MedGen C0013903, MONDO:0009162, OMIM 225500.

gnomAD v4.1: 1 of 1,606,310 alleles (0.000062%); highest among the groups gnomAD compares: Non-Finnish European, 0.000085%; no homozygotes.

Submission:

Natera, Inc.
Classification: Likely pathogenic for Ellis-van Creveld syndrome. Last evaluated: 2025-10-13. Review status: criteria provided, single submitter. Criteria: Natera Variant Classification Schema (03/2026). Collection method: clinical testing. Allele origin: germline.
Comment: The c.1563+1G>A variant in EVC is a canonical splice donor site variant predicted to affect pre-mRNA splicing, which may result in an abnormal transcript and altered protein product. This variant may result in a truncated or dysfunctional protein product. This variant is rare in the general population with a frequency below the threshold expected for the associated phenotype(s). Another variant at this same site results in an alteration predicted to cause a similar molecular effect has been observed in individual(s) with the associated phenotype. Given the available evidence, this variant is classified as Likely Pathogenic.